The following is an entry in ClinVar:

ClinVar aggregate classification (germline): Uncertain significance (1 of 4 stars; one submission).

Submission:

GeneDx
Classification: Uncertain significance. Last evaluated: 2024-01-25. Review status: criteria provided, single submitter. Criteria: GeneDx Variant Classification Process June 2021. Collection method: clinical testing. Allele origin: germline. Affected: yes.
Comment: Not observed at significant frequency in large population cohorts (gnomAD); In silico analysis supports that this missense variant has a deleterious effect on protein structure/function; Has not been previously published as pathogenic or benign to our knowledge

NM_001170629.2(CHD8):c.4535A>C (p.Glu1512Ala)

Gene: CHD8 (chromodomain helicase DNA binding protein 8; minus strand). Cytogenetic location: 14q11.2.
Variant type: single nucleotide variant.
Coding change: c.4535A>C on transcript NM_001170629.2 (MANE Select); coding-DNA position 4535, A replaced by C.
Protein change: p.Glu1512Ala; replaces glutamic acid 1512 with alanine.
Molecular consequence: missense variant.
Genome position (GRCh38, 1-based): chr14:21,400,448, T>G on the plus strand (A>C on the coding strand, the complement: CHD8 is on the minus strand). VCF-style: chr14-21400448-T-G. GRCh37 (hg19) VCF-style: chr14-21868607-T-G.
Other names: c.3698A>C, p.Glu1233Ala (NM_020920.4); short protein forms E1233A, E1512A.
Identifiers: ClinVar variation 3368318 (VCV003368318.1).